The following is an entry in ClinVar:

NM_014476.6(PDLIM3):c.1024G>A (p.Glu342Lys)

Gene: PDLIM3 (PDZ and LIM domain 3; minus strand). Cytogenetic location: 4q35.1.
Variant type: single nucleotide variant.
Coding change: c.1024G>A on transcript NM_014476.6 (MANE Select); coding-DNA position 1024, G replaced by A.
Protein change: p.Glu342Lys; replaces glutamic acid 342 with lysine.
Molecular consequence: missense variant. On other transcripts: non-coding transcript variant (1).
Genome position (GRCh38, 1-based): chr4:185,502,365, C>T on the plus strand (G>A on the coding strand, the complement: PDLIM3 is on the minus strand). VCF-style: chr4-185502365-C-T. GRCh37 (hg19) VCF-style: chr4-186423519-C-T.
Other names: c.1024G>A (NM_014476.4); c.880G>A, p.Glu294Lys (NM_001114107.5); c.760G>A, p.Glu254Lys (NM_001257962.2); c.523G>A, p.Glu175Lys (NM_001257963.2); short protein forms E294K, E254K, E175K, E342K.
Identifiers: ClinVar variation 642803 (VCV000642803.12), dbSNP rs368815493, ClinGen allele CA3159607.

ClinVar aggregate classification (germline): Uncertain significance. Review status: criteria provided, multiple submitters, no conflicts (2 of 4 stars). 2 submissions from 2 submitters: Uncertain significance (2). Last evaluated 2025-04-25.

Conditions:
Hypertrophic cardiomyopathy. Also called: HYPERTROPHIC MYOCARDIOPATHY. Identifiers: Orphanet 217569, MedGen C0007194, MeSH D002312, MONDO:0005045, HP:0001639.
Primary dilated cardiomyopathy (DCM). Also called: Dilated Cardiomyopathy. Identifiers: Orphanet 217604, MedGen C0007193, MeSH D002311, MONDO:0005021, HP:0001644. Inheritance: Various modes of inheritance.

Allele frequency attached by ClinVar (database versions not stated): gnomAD 0.00005; TOPMed 0.00005; ESP Exome Variant Server 0.00008.

Submissions (2):

Ambry Genetics
Classification: Uncertain significance. Last evaluated: 2025-04-25. Review status: criteria provided, single submitter. Criteria: Ambry Variant Classification Scheme 2023. Collection method: clinical testing. Allele origin: germline.

Labcorp Genetics (formerly Invitae), Labcorp
Classification: Uncertain significance for Hypertrophic cardiomyopathy; Primary dilated cardiomyopathy. Last evaluated: 2025-01-29. Review status: criteria provided, single submitter. Criteria: Invitae Variant Classification Sherloc (09022015). Collection method: clinical testing. Allele origin: germline.
Comment: This sequence change replaces glutamic acid, which is acidic and polar, with lysine, which is basic and polar, at codon 342 of the PDLIM3 protein (p.Glu342Lys). This variant is present in population databases (rs368815493, gnomAD 0.003%). This variant has not been reported in the literature in individuals affected with PDLIM3-related conditions. ClinVar contains an entry for this variant (Variation ID: 642803). Invitae Evidence Modeling of protein sequence and biophysical properties (such as structural, functional, and spatial information, amino acid conservation, physicochemical variation, residue mobility, and thermodynamic stability) indicates that this missense variant is expected to disrupt PDLIM3 protein function with a positive predictive value of 80%. In summary, the available evidence is currently insufficient to determine the role of this variant in disease. Therefore, it has been classified as a Variant of Uncertain Significance.